The following is an entry in ClinVar:

NM_001267550.2(TTN):c.68349_68356del (p.Glu22784fs)

Genes: TTN-AS1 (TTN antisense RNA 1; plus strand), TTN (titin; minus strand). Cytogenetic location: 2q31.2.
Variant type: Deletion.
Coding change: c.68349_68356del on transcript NM_001267550.2 (MANE Select); coding-DNA positions 68349 to 68356, 8 bases deleted (GGAAAGAA; older notation c.68349_68356delGGAAAGAA).
Protein change: p.Glu22784fs; shifts the reading frame from glutamic acid 22784.
Molecular consequence: frameshift variant.
Genome position (GRCh38, 1-based): chr2:178,578,159-178,578,166, TTCTTTCC deleted on the plus strand (GGAAAGAA on the coding strand, the reverse complement: TTN is on the minus strand); deleting any 8 consecutive bases within chr2:178,578,159-178,578,168 gives the same sequence; the c. name uses the placement nearest the transcript's 3' end. VCF-style (leftmost placement, unchanged base first): chr2-178578158-TTTCTTTCC-T. GRCh37 (hg19) VCF-style: chr2-179442885-TTTCTTTCC-T.
Other names: c.63426_63433del, p.Glu21143fs (NM_001256850.1); c.41154_41161del, p.Glu13719fs (NM_003319.4); c.60645_60652del, p.Glu20216fs (NM_133378.4); c.41529_41536del, p.Glu13844fs (NM_133432.3); c.41730_41737del, p.Glu13911fs (NM_133437.4); short protein forms E13719fs, E13844fs, E13911fs, E20216fs, E21143fs, E22784fs.
Identifiers: ClinVar variation 1066676 (VCV001066676.12), dbSNP rs2154174313, ClinGen allele CA2499215382.
Genomic context (GRCh38, chr2:178,578,158, plus strand): 5'-GTCACTTTAAAGTCTCTCATCCTTATCGGAGTCTTGTTAGCTCTCTTCCACAAAAGGCTG[TTTCTTTCC>T]TTGAACTCGAGATGATACCCTACAAAAGACCCAGGGATGTATCAAGTATAAATGCAGCTT-3'

ClinVar aggregate classification (germline): Likely pathogenic (1 of 4 stars; one submission).

Conditions:
Dilated cardiomyopathy 1G (CMD1G). Identifiers: Orphanet 154, MedGen C1858763, MONDO:0011400, OMIM 604145.
Autosomal recessive limb-girdle muscular dystrophy type 2J (LGMDR10). Also called: Limb-girdle muscular dystrophy, type 2J; MUSCULAR DYSTROPHY, LIMB-GIRDLE, AUTOSOMAL RECESSIVE 10. Identifiers: Orphanet 140922, MedGen C1837342, MONDO:0012127, OMIM 608807.

Submission:

Labcorp Genetics (formerly Invitae), Labcorp
Classification: Likely pathogenic for Dilated cardiomyopathy 1G; Autosomal recessive limb-girdle muscular dystrophy type 2J. Last evaluated: 2022-08-09. Review status: criteria provided, single submitter. Criteria: Invitae Variant Classification Sherloc (09022015). Collection method: clinical testing. Allele origin: germline.
Comment: This variant is not present in population databases (gnomAD no frequency). This sequence change creates a premature translational stop signal (p.Glu22784Glnfs*8) in the TTN gene. While this is not anticipated to result in nonsense mediated decay, it is expected to create a truncated TTN protein. In summary, the currently available evidence indicates that the variant is pathogenic, but additional data are needed to prove that conclusively. Therefore, this variant has been classified as Likely Pathogenic. This variant is located in the A band of TTN (PMID: 25589632). Truncating variants in this region are significantly overrepresented in patients affected with dilated cardiomyopathy (PMID: 25589632). Truncating variants in this region have also been reported in individuals affected with autosomal recessive centronuclear myopathy (PMID: 23975875). ClinVar contains an entry for this variant (Variation ID: 1066676). This variant has not been reported in the literature in individuals affected with TTN-related conditions.

Literature cited by the submitters: PubMed 25589632; PubMed 23975875.